The following is an entry in ClinVar:

ClinVar aggregate classification (germline): Pathogenic. Review status: criteria provided, multiple submitters, no conflicts (2 of 4 stars). 6 submissions from 6 submitters: Pathogenic (5). 1 of the submissions does not count toward it. Last evaluated 2022-10-13.

Conditions:
Tuberous sclerosis syndrome (TSC). Also called: Tuberous Sclerosis Complex; Tuberous sclerosis. Identifiers: Orphanet 805, MedGen C0041341, MONDO:0001734.
Lymphangiomyomatosis (LAM). Also called: Lymphangioleiomyomatosis; Lymphangioleiomyomatosis, somatic. Identifiers: Orphanet 538, MedGen C0751674, MONDO:0011705, OMIM 606690.
Tuberous sclerosis 2 (TSC2). Identifiers: Orphanet 805, MedGen C1860707, MONDO:0013199, OMIM 613254.

Submissions (6):

GeneDx
Classification: Pathogenic. Last evaluated: 2022-10-13. Review status: criteria provided, single submitter. Criteria: GeneDx Variant Classification Process June 2021. Collection method: clinical testing. Allele origin: germline. Affected: yes.
Comment: Nonsense variant predicted to result in protein truncation or nonsense mediated decay in a gene for which loss of function is a known mechanism of disease; Reported in a patient with tuberous sclerosis complex in published literature; however, familial segregation information was not provided (Hung et al., 2006); Not observed at significant frequency in large population cohorts (gnomAD); This variant is associated with the following publications: (PMID: 16981987, 15798777)

Labcorp Genetics (formerly Invitae), Labcorp
Classification: Pathogenic for Tuberous sclerosis 2. Last evaluated: 2022-06-05. Review status: criteria provided, single submitter. Criteria: Invitae Variant Classification Sherloc (09022015). Collection method: clinical testing. Allele origin: germline.
Comment: This sequence change creates a premature translational stop signal (p.Asn1233*) in the TSC2 gene. It is expected to result in an absent or disrupted protein product. Loss-of-function variants in TSC2 are known to be pathogenic (PMID: 10205261, 17304050). This variant is not present in population databases (gnomAD no frequency). This premature translational stop signal has been observed in individual(s) with tuberous sclerosis complex (PMID: 16981987). ClinVar contains an entry for this variant (Variation ID: 49539). For these reasons, this variant has been classified as Pathogenic.

Genome-Nilou Lab
Classification: Pathogenic for Tuberous sclerosis 2. Last evaluated: 2021-11-07. Review status: criteria provided, single submitter. Criteria: ACMG Guidelines, 2015. Collection method: clinical testing. Allele origin: germline. Affected: no.

Centre for Mendelian Genomics, University Medical Centre Ljubljana
Classification: Pathogenic for Lymphangiomyomatosis. Last evaluated: 2016-01-01. Review status: criteria provided, single submitter. Criteria: ACMG Guidelines, 2015. Collection method: clinical testing. Allele origin: unknown. Affected: yes.
Comment: This variant was classified as: Pathogenic. The following ACMG criteria were applied in classifying this variant: PVS1,PM2,PP5.

Athena Diagnostics
Classification: Pathogenic for Tuberous sclerosis 2. Last evaluated: 2012-06-27. Review status: criteria provided, single submitter. Criteria: Athena Diagnostics Criteria. Collection method: clinical testing. Allele origin: germline. Inheritance: Autosomal dominant inheritance.

Tuberous sclerosis database (TSC2)
No classification provided. Condition: TSC. Review status: no classification provided. Criteria: Tuberous Sclerosis Database Assertion Criteria 2015. Collection method: curation. Allele origin: germline. Affected: yes. Not counted in ClinVar's aggregate classification.

Literature cited by the submitters: PubMed 10205261 (cited by Labcorp Genetics (formerly Invitae), Labcorp); PubMed 17304050 (cited by Labcorp Genetics (formerly Invitae), Labcorp); PubMed 16981987 (cited by Labcorp Genetics (formerly Invitae), Labcorp and Athena Diagnostics).

NM_000548.5(TSC2):c.3696dup (p.Asn1233Ter)

Gene: TSC2 (TSC complex subunit 2; plus strand). Cytogenetic location: 16p13.3.
Variant type: Duplication.
Coding change: c.3696dup on transcript NM_000548.5 (MANE Select); coding-DNA position 3696, one base duplicated (T; older notation c.3696dupT).
Protein change: p.Asn1233Ter; replaces asparagine 1233 with a stop codon.
Molecular consequence: nonsense.
Genome position (GRCh38, 1-based): chr16:2,081,680, T duplicated. VCF-style (leftmost placement, unchanged base first): chr16-2081679-C-CT. GRCh37 (hg19) VCF-style: chr16-2131680-C-CT.
Other names: c.3564dup, p.Asn1189Ter (NM_001077183.3, NM_001370404.1); c.3696dup, p.Asn1233Ter (NM_001114382.3); c.3456dup, p.Asn1153Ter (NM_001318827.2); c.3420dup, p.Asn1141Ter (NM_001318829.2); c.2964dup, p.Asn989Ter (NM_001318831.2); c.3597dup, p.Asn1200Ter (NM_001318832.2); c.3567dup, p.Asn1190Ter (NM_001363528.2, NM_001370405.1, NM_021055.3); short protein forms N1200*, N1153*, N989*, N1141*, N1189*, N1190*, N1233*.
Identifiers: ClinVar variation 49539 (VCV000049539.14), dbSNP rs137854210, ClinGen allele CA019484.